The following is an entry in ClinVar:

NM_015100.4(POGZ):c.79G>A (p.Asp27Asn)

Gene: POGZ (pogo transposable element derived with ZNF domain; minus strand). Cytogenetic location: 1q21.3.
Variant type: single nucleotide variant.
Coding change: c.79G>A on transcript NM_015100.4 (MANE Select); coding-DNA position 79, G replaced by A.
Protein change: p.Asp27Asn; replaces aspartic acid 27 with asparagine.
Molecular consequence: missense variant.
Genome position (GRCh38, 1-based): chr1:151,442,126, C>T on the plus strand (G>A on the coding strand, the complement: POGZ is on the minus strand). VCF-style: chr1-151442126-C-T. GRCh37 (hg19) VCF-style: chr1-151414602-C-T.
Other names: c.79G>A, p.Asp27Asn (NM_001194937.2, NM_001194938.2, NM_145796.4 and 1 more transcripts); c.100G>A, p.Asp34Asn (NM_001410860.1); short protein forms D27N, D34N.
Identifiers: ClinVar variation 4527268 (VCV004527268.1).

ClinVar aggregate classification (germline): Uncertain significance (1 of 4 stars; one submission).

Submission:

GeneDx
Classification: Uncertain significance. Last evaluated: 2025-04-21. Review status: criteria provided, single submitter. Criteria: GeneDx Variant Classification Process June 2021. Collection method: clinical testing. Allele origin: germline. Affected: yes.
Comment: Not observed at significant frequency in large population cohorts (gnomAD); In silico analysis supports that this missense variant has a deleterious effect on protein structure/function; Has not been previously published as pathogenic or benign to our knowledge